The following is an entry in ClinVar:

ClinVar aggregate classification (germline): Uncertain significance. Review status: criteria provided, multiple submitters, no conflicts (2 of 4 stars). 2 submissions from 2 submitters: Uncertain significance (2). Last evaluated 2025-05-06.

gnomAD v4.1: 6 of 1,613,972 alleles (0.00037%); highest among the groups gnomAD compares: African/African-American, 0.008%; no homozygotes.

Submissions (2):

Women's Health and Genetics/Laboratory Corporation of America, LabCorp
Classification: Uncertain significance. Last evaluated: 2025-05-06. Review status: criteria provided, single submitter. Criteria: LabCorp Variant Classification Summary - May 2015. Collection method: clinical testing. Allele origin: germline.
Comment: Variant summary: VWA3B c.1808A>G (p.Tyr603Cys) results in a non-conservative amino acid change in the encoded protein sequence. Algorithms developed to predict the effect of missense changes on protein structure and function all suggest that this variant is likely to be disruptive. The variant allele was found at a frequency of 8e-06 in 249562 control chromosomes. The available data on variant occurrences in the general population are insufficient to allow any conclusion about variant significance. To our knowledge, no occurrence of c.1808A>G in individuals affected with Spinocerebellar Ataxia, Autosomal Recessive 22 and no experimental evidence demonstrating its impact on protein function have been reported. ClinVar contains an entry for this variant (Variation ID: 3815482). Based on the evidence outlined above, the variant was classified as uncertain significance.

Ambry Genetics
Classification: Uncertain significance. Last evaluated: 2025-01-01. Review status: criteria provided, single submitter. Criteria: Ambry Variant Classification Scheme 2023. Collection method: clinical testing. Allele origin: germline.

NM_144992.5(VWA3B):c.1808A>G (p.Tyr603Cys)

Gene: VWA3B (von Willebrand factor A domain containing 3B; plus strand). Cytogenetic location: 2q11.2.
Variant type: single nucleotide variant.
Coding change: c.1808A>G on transcript NM_144992.5 (MANE Select); coding-DNA position 1808, A replaced by G.
Protein change: p.Tyr603Cys; replaces tyrosine 603 with cysteine.
Molecular consequence: missense variant. On other transcripts: non-coding transcript variant (3).
Genome position (GRCh38, 1-based): chr2:98,212,000, A>G. VCF-style: chr2-98212000-A-G. GRCh37 (hg19) VCF-style: chr2-98828463-A-G.
Other names: c.779A>G, p.Tyr260Cys (NM_001345864.2); short protein forms Y260C, Y603C.
Identifiers: ClinVar variation 3815482 (VCV003815482.2).